The following is an entry in ClinVar:

NM_002691.4(POLD1):c.40C>A (p.Pro14Thr)

Gene: POLD1 (DNA polymerase delta 1, catalytic subunit; plus strand). Cytogenetic location: 19q13.33.
Variant type: single nucleotide variant.
Coding change: c.40C>A on transcript NM_002691.4 (MANE Select); coding-DNA position 40, C replaced by A.
Protein change: p.Pro14Thr; replaces proline 14 with threonine.
Molecular consequence: missense variant. On other transcripts: non-coding transcript variant (1).
Genome position (GRCh38, 1-based): chr19:50,398,891, C>A. VCF-style: chr19-50398891-C-A. GRCh37 (hg19) VCF-style: chr19-50902148-C-A.
Other names: c.40C>A, p.Pro14Thr (NM_001256849.1, NM_001308632.1, NM_001438210.1 and 3 more transcripts); short protein forms P14T.
Identifiers: ClinVar variation 4844382 (VCV004844382.1).

ClinVar aggregate classification (germline): Uncertain significance (1 of 4 stars; one submission).

Conditions:
Hereditary cancer-predisposing syndrome. Also called: Neoplastic Syndromes, Hereditary; Tumor predisposition; Hereditary Cancer Syndrome; Hereditary neoplastic syndrome. Identifiers: Orphanet 140162, MedGen C0027672, MeSH D009386, MONDO:0015356.

Submission:

Ambry Genetics
Classification: Uncertain significance for Hereditary cancer-predisposing syndrome. Last evaluated: 2026-01-18. Review status: criteria provided, single submitter. Criteria: Ambry Variant Classification Scheme 2023. Collection method: clinical testing. Allele origin: germline.
Comment: The p.P14T variant (also known as c.40C>A), located in coding exon 1 of the POLD1 gene, results from a C to A substitution at nucleotide position 40. The proline at codon 14 is replaced by threonine, an amino acid with highly similar properties. This amino acid position is conserved. In addition, this alteration is predicted to be tolerated by in silico analysis. Based on the available evidence, the clinical significance of this variant remains unclear.